The following is an entry in ClinVar:

ClinVar aggregate classification (germline): Likely benign. Review status: criteria provided, multiple submitters, no conflicts (2 of 4 stars). 2 submissions from 2 submitters: Likely benign (2). Last evaluated 2025-12-09.

Conditions:
LAMA2-related muscular dystrophy (LAMA2-RD). Also called: Laminin alpha 2-related dystrophy. Identifiers: MedGen C5679788, MONDO:0100228.

Allele frequency attached by ClinVar (database versions not stated): TOPMed 0.00002.
gnomAD v4.1: 20 of 1,613,116 alleles (0.0012%); highest among the groups gnomAD compares: Middle Eastern, 0.016%; no homozygotes.

Submissions (2):

Labcorp Genetics (formerly Invitae), Labcorp
Classification: Likely benign for LAMA2-related muscular dystrophy. Last evaluated: 2025-12-09. Review status: criteria provided, single submitter. Criteria: Invitae Variant Classification Sherloc (09022015). Collection method: clinical testing. Allele origin: germline.

GeneDx
Classification: Likely benign. Last evaluated: 2017-06-05. Review status: criteria provided, single submitter. Criteria: GeneDx Variant Classification (06012015). Collection method: clinical testing. Allele origin: germline. Affected: yes.
Comment: This variant is considered likely benign or benign based on one or more of the following criteria: it is a conservative change, it occurs at a poorly conserved position in the protein, it is predicted to be benign by multiple in silico algorithms, and/or has population frequency not consistent with disease.

NM_000426.4(LAMA2):c.2430A>G (p.Pro810=)

Gene: LAMA2 (laminin subunit alpha 2; plus strand). Cytogenetic location: 6q22.33.
Variant type: single nucleotide variant.
Coding change: c.2430A>G on transcript NM_000426.4 (MANE Select); coding-DNA position 2430, A replaced by G.
Protein change: p.Pro810=; no amino-acid change (proline 810 retained).
Molecular consequence: synonymous variant.
Genome position (GRCh38, 1-based): chr6:129,270,731, A>G. VCF-style: chr6-129270731-A-G. GRCh37 (hg19) VCF-style: chr6-129591876-A-G.
Other names: c.2430A>G, p.Pro810= (NM_001079823.2).
Identifiers: ClinVar variation 509786 (VCV000509786.10), dbSNP rs147572139, ClinGen allele CA3992929.
Genomic context (GRCh38, chr6:129,270,731, plus strand): 5'-TGGTTTCTATGGCGAGCCTACTAAAGGAACCTCTGAAGACTGTCAACCCTGTGCCTGTCC[A>G]CTCAATATCCCATCCAATAAGTAAGTAACAAACTTACCCCATGAATAAGCTCAGCATCCA-3'
Protein context (NP_000417.3, residues 800-820): TSEDCQPCAC[Pro810=]LNIPSNNFSP